The following is an entry in ClinVar:

ClinVar aggregate classification (germline): Uncertain significance (1 of 4 stars; one submission).

Conditions:
Bloom syndrome (BLM). Also called: Bloom-Torre-Machacek syndrome. Identifiers: Orphanet 125, MedGen C0005859, MONDO:0008876, OMIM 210900.

gnomAD v4.1: 1 of 1,613,934 alleles (0.000062%); highest among the groups gnomAD compares: African/African-American, 0.0013%; no homozygotes.

Submission:

Labcorp Genetics (formerly Invitae), Labcorp
Classification: Uncertain significance for Bloom syndrome. Last evaluated: 2024-01-24. Review status: criteria provided, single submitter. Criteria: Invitae Variant Classification Sherloc (09022015). Collection method: clinical testing. Allele origin: germline.
Comment: This sequence change replaces alanine, which is neutral and non-polar, with valine, which is neutral and non-polar, at codon 831 of the BLM protein (p.Ala831Val). This variant is not present in population databases (gnomAD no frequency). This variant has not been reported in the literature in individuals affected with BLM-related conditions. Advanced modeling of protein sequence and biophysical properties (such as structural, functional, and spatial information, amino acid conservation, physicochemical variation, residue mobility, and thermodynamic stability) performed at Invitae indicates that this missense variant is expected to disrupt BLM protein function with a positive predictive value of 80%. In summary, the available evidence is currently insufficient to determine the role of this variant in disease. Therefore, it has been classified as a Variant of Uncertain Significance.

NM_000057.4(BLM):c.2492C>T (p.Ala831Val)

Gene: BLM (BLM RecQ like helicase; plus strand). Cytogenetic location: 15q26.1.
Variant type: single nucleotide variant.
Coding change: c.2492C>T on transcript NM_000057.4 (MANE Select); coding-DNA position 2492, C replaced by T.
Protein change: p.Ala831Val; replaces alanine 831 with valine.
Molecular consequence: missense variant.
Genome position (GRCh38, 1-based): chr15:90,769,523, C>T. VCF-style: chr15-90769523-C-T. GRCh37 (hg19) VCF-style: chr15-91312753-C-T.
Other names: c.2492C>T, p.Ala831Val (NM_001287246.2, NM_001287247.2); c.1367C>T, p.Ala456Val (NM_001287248.2); short protein forms A456V, A831V.
Identifiers: ClinVar variation 2718265 (VCV002718265.3), dbSNP rs2505456914, ClinGen allele CA393845437.
Genomic context (GRCh38, chr15:90,769,523, plus strand): 5'-ACAAAAGAATGAATATGCTTCGCCAGAAGTTTCCTTCTGTTCCGGTGATGGCTCTTACGG[C>T]CACAGCTAATCCCAGGGTACAGAAGGACATCCTGACTCAGCTGAAGATTCTCAGACCTCA-3'
Protein context (NP_000048.1, residues 821-841): FPSVPVMALT[Ala831Val]TANPRVQKDI